The following is an entry in ClinVar:

ClinVar aggregate classification (germline): Benign. Review status: criteria provided, multiple submitters, no conflicts (2 of 4 stars). 4 submissions from 3 submitters: Benign (4). Last evaluated 2018-06-19.

Conditions:
Ocular cystinosis. Also called: Non-Nephropathic (Ocular) Cystinosis; Non-Nephropathic Cystinosis. Identifiers: Orphanet 213, Orphanet 411641, MedGen C2931013, MONDO:0009064, OMIM 219750.
Nephropathic cystinosis (CTNS). Also called: CYSTINOSIN, DEFECT OF; LYSOSOMAL CYSTINE TRANSPORT PROTEIN, DEFECT OF; Abderhalden Lignac Kaufmann disease; Abderhalden-Kaufmann-Lignac syndrome. Identifiers: Orphanet 213, Orphanet 411629, MedGen C2931187, MONDO:0100151, OMIM 219800.

Allele frequency attached by ClinVar (database versions not stated): TOPMed 0.18957; gnomAD 0.19518 and 0.19768; 1000 Genomes Project 0.19828; 1000 Genomes Project 30x 0.19925.
gnomAD v4.1: 168,003 of 827,820 alleles (20%); highest among the groups gnomAD compares: East Asian, 24%; 17,924 homozygotes.

Submissions (4):

GeneDx
Classification: Benign. Last evaluated: 2018-06-19. Review status: criteria provided, single submitter. Criteria: GeneDx Variant Classification Process June 2021. Collection method: clinical testing. Allele origin: germline. Affected: yes.

Illumina Laboratory Services, Illumina
Classification: Benign for Ocular cystinosis. Last evaluated: 2018-01-13. Review status: criteria provided, single submitter. Criteria: ICSL Variant Classification Criteria 13 December 2019. Collection method: clinical testing. Allele origin: germline.
Comment: This variant was observed in the ICSL laboratory as part of a predisposition screen in an ostensibly healthy population. It had not been previously curated by ICSL or reported in the Human Gene Mutation Database (HGMD: prior to June 1st, 2018), and was therefore a candidate for classification through an automated scoring system. Utilizing variant allele frequency, disease prevalence and penetrance estimates, and inheritance mode, an automated score was calculated to assess if this variant is too frequent to cause the disease. Based on the score and internal cut-off values, a variant classified as benign is not then subjected to further curation. The score for this variant resulted in a classification of benign for this disease.

Illumina Laboratory Services, Illumina
Classification: Benign for Nephropathic cystinosis. Last evaluated: 2018-01-13. Review status: criteria provided, single submitter. Criteria: ICSL Variant Classification Criteria 13 December 2019. Collection method: clinical testing. Allele origin: germline.
Comment: the same text as in the submission from Illumina Laboratory Services, Illumina above.

Breakthrough Genomics
Classification: Benign. Review status: criteria provided, single submitter. Criteria: ACMG Guidelines, 2015. Collection method: not provided. Allele origin: germline. Inheritance: Autosomal recessive inheritance. Affected: yes.

NM_004937.3(CTNS):c.*555T>C

Gene: CTNS (cystinosin, lysosomal cystine transporter; plus strand). Cytogenetic location: 17p13.2.
Variant type: single nucleotide variant.
Coding change: c.*555T>C on transcript NM_004937.3 (MANE Select); 555 bases downstream of the stop codon, T replaced by C.
Molecular consequence: 3 prime UTR variant.
Genome position (GRCh38, 1-based): chr17:3,660,924, T>C. VCF-style: chr17-3660924-T-C. GRCh37 (hg19) VCF-style: chr17-3564218-T-C.
Other names: c.*190T>C (NM_001031681.3, NM_001374492.1); c.*555T>C (NM_001374493.1, NM_001374494.1, NM_001374495.1 and 1 more transcripts).
Identifiers: ClinVar variation 322857 (VCV000322857.8), dbSNP rs1048646, ClinGen allele CA10649118.